The following is an entry in ClinVar:

ClinVar aggregate classification (germline): Conflicting classifications of pathogenicity. Review status: criteria provided, conflicting classifications (1 of 4 stars). 2 submissions from 2 submitters: Likely pathogenic (1); Uncertain significance (1). Last evaluated 2021-02-24.

Submissions (2):

Labcorp Genetics (formerly Invitae), Labcorp
Classification: Likely pathogenic. Last evaluated: 2021-02-24. Review status: criteria provided, single submitter. Criteria: Invitae Variant Classification Sherloc (09022015). Collection method: clinical testing. Allele origin: germline.
Comment: This sequence change replaces leucine with proline at codon 226 of the RHO protein (p.Leu226Pro). The leucine residue is highly conserved and there is a moderate physicochemical difference between leucine and proline. This variant is not present in population databases (ExAC no frequency). This variant has been observed in individual(s) with clinical features of autosomal dominant retinitis pigmentosa (PMID: 31908405, Invitae). ClinVar contains an entry for this variant (Variation ID: 936965). Advanced modeling of protein sequence and biophysical properties (such as structural, functional, and spatial information, amino acid conservation, physicochemical variation, residue mobility, and thermodynamic stability) performed at Invitae indicates that this missense variant is expected to disrupt RHO protein function. In summary, the currently available evidence indicates that the variant is pathogenic, but additional data are needed to prove that conclusively. Therefore, this variant has been classified as Likely Pathogenic.

GeneDx
Classification: Uncertain significance. Last evaluated: 2019-07-01. Review status: criteria provided, single submitter. Criteria: GeneDx Variant Classification Process June 2021. Collection method: clinical testing. Allele origin: germline. Affected: yes.
Comment: Not observed in large population cohorts (Lek et al., 2016); In silico analysis, which includes protein predictors and evolutionary conservation, supports a deleterious effect; Has not been previously published as pathogenic or benign to our knowledge; This variant is associated with the following publications: (PMID: 31908405)

Literature cited by the submitters: PubMed 31908405 (cited by Labcorp Genetics (formerly Invitae), Labcorp).

NM_000539.3(RHO):c.677T>C (p.Leu226Pro)

Gene: RHO (rhodopsin; plus strand). Cytogenetic location: 3q22.1.
Variant type: single nucleotide variant.
Coding change: c.677T>C on transcript NM_000539.3 (MANE Select); coding-DNA position 677, T replaced by C.
Protein change: p.Leu226Pro; replaces leucine 226 with proline.
Molecular consequence: missense variant.
Genome position (GRCh38, 1-based): chr3:129,532,397, T>C. VCF-style: chr3-129532397-T-C. GRCh37 (hg19) VCF-style: chr3-129251240-T-C.
Other names: short protein forms L226P.
Identifiers: ClinVar variation 936965 (VCV000936965.11), dbSNP rs2084786958, ClinGen allele CA354470065.